The following is an entry in ClinVar:

ClinVar aggregate classification (germline): Uncertain significance. Review status: criteria provided, multiple submitters, no conflicts (2 of 4 stars). 2 submissions from 2 submitters: Uncertain significance (2). Last evaluated 2026-02-26.

Allele frequency attached by ClinVar (database versions not stated): ExAC 0.00002; gnomAD 0.00002; TOPMed 0.00003; gnomAD exomes 0.00006.

Submissions (2):

Dasa
Classification: Uncertain significance. Last evaluated: 2026-02-26. Review status: criteria provided, single submitter. Criteria: DASA Assertion Criteria. Collection method: clinical testing. Allele origin: germline.
Comment: NM_182925.5(FLT4):c.1525G>A (p.Glu509Lys) is a missense variant that results in the substitution of glutamic acid with lysine. This variant is rare in population databases. Computational prediction algorithms are consistent with a deleterious effect. The currently available literature and clinical evidence are not sufficient to establish a definitive association between this variant and the reported condition. Therefore, this variant is classified as a variant of uncertain significance.

CeGaT Center for Human Genetics Tuebingen
Classification: Uncertain significance. Last evaluated: 2023-02-01. Review status: criteria provided, single submitter. Criteria: CeGaT Center For Human Genetics Tuebingen Variant Classification Criteria Version 2. Collection method: clinical testing. Allele origin: germline. Affected: yes. Observed: 1 variant allele.

NM_182925.5(FLT4):c.1525G>A (p.Glu509Lys)

Gene: FLT4 (fms related receptor tyrosine kinase 4; minus strand). Cytogenetic location: 5q35.3.
Variant type: single nucleotide variant.
Coding change: c.1525G>A on transcript NM_182925.5 (MANE Select); coding-DNA position 1525, G replaced by A.
Protein change: p.Glu509Lys; replaces glutamic acid 509 with lysine.
Molecular consequence: missense variant.
Genome position (GRCh38, 1-based): chr5:180,623,958, C>T on the plus strand (G>A on the coding strand, the complement: FLT4 is on the minus strand). VCF-style: chr5-180623958-C-T. GRCh37 (hg19) VCF-style: chr5-180050958-C-T.
Other names: c.1525G>A, p.Glu509Lys (NM_001354989.2, NM_002020.5); short protein forms E509K.
Identifiers: ClinVar variation 2656157 (VCV002656157.26), dbSNP rs781305649, ClinGen allele CA3606692.